The following is an entry in ClinVar:

NM_175914.5(HNF4A):c.111G>T (p.Leu37=)

Gene: HNF4A (hepatocyte nuclear factor 4 alpha; plus strand). Cytogenetic location: 20q13.12.
Variant type: single nucleotide variant.
Coding change: c.111G>T on transcript NM_175914.5 (MANE Select); coding-DNA position 111, G replaced by T.
Protein change: p.Leu37=; no amino-acid change (leucine 37 retained).
Molecular consequence: synonymous variant.
Genome position (GRCh38, 1-based): chr20:44,406,119, G>T. VCF-style: chr20-44406119-G-T. GRCh37 (hg19) VCF-style: chr20-43034759-G-T.
Other names: c.102G>T, p.Leu34= (NM_001287182.2, NM_001287183.2, NM_001287184.2); c.177G>T, p.Leu59= (NM_178849.3, NM_178850.3, NM_000457.6); c.111G>T, p.Leu37= (NM_001030003.3, NM_001030004.3); c.156G>T, p.Leu52= (NM_001258355.2).
Identifiers: ClinVar variation 984525 (VCV000984525.2), dbSNP rs2063496608, ClinGen allele CA510582225.

ClinVar aggregate classification (germline): Likely benign. Review status: criteria provided, multiple submitters, no conflicts (2 of 4 stars). 2 submissions from 2 submitters: Likely benign (2). Last evaluated 2020-10-23.

Conditions:
Maturity-onset diabetes of the young (MODY). Also called: Maturity onset diabetes mellitus in young. Identifiers: Orphanet 552, MedGen C0342276, MONDO:0018911, HP:0004904.

Allele frequency attached by ClinVar (database versions not stated): gnomAD exomes below 0.00001.
gnomAD v4.1: 1 of 1,613,754 alleles (0.000062%); highest among the groups gnomAD compares: Non-Finnish European, 0.000085%; no homozygotes.

Submissions (2):

Women's Health and Genetics/Laboratory Corporation of America, LabCorp
Classification: Likely benign. Last evaluated: 2020-10-23. Review status: criteria provided, single submitter. Criteria: LabCorp Variant Classification Summary - May 2015. Collection method: clinical testing. Allele origin: germline.

Clinical Genomics, Uppaluri K&H Personalized Medicine Clinic
Classification: Likely benign for Maturity-onset diabetes of the young. Review status: criteria provided, single submitter. Criteria: K & H Uppaluri Personalized Medicine Clinic Variant Classification & Assertion Criteria_Updated V.1. Collection method: research. Allele origin: unknown. Inheritance: Autosomal dominant inheritance.
Comment: Potent mutations in HNF4A are associated with poor insulin secretion in response to hyperglycemia. Associated with MODY1. Patients initially respond well to sulfonylureas but eventually become insulin dependent. However, more evidence is required to ascertain the role of this particular variant rs2063496608 in MODY, yet.

Literature cited by the submitters: DOI 10.1159/000334532 (cited by Clinical Genomics, Uppaluri K&H Personalized Medicine Clinic); PubMed 18268044 (cited by Clinical Genomics, Uppaluri K&H Personalized Medicine Clinic); PubMed 17563455 (cited by Clinical Genomics, Uppaluri K&H Personalized Medicine Clinic); PubMed 32583173 (cited by Clinical Genomics, Uppaluri K&H Personalized Medicine Clinic); PubMed 35052457 (cited by Clinical Genomics, Uppaluri K&H Personalized Medicine Clinic); PubMed 35118593 (cited by Clinical Genomics, Uppaluri K&H Personalized Medicine Clinic).